The following is an entry in ClinVar:

ClinVar aggregate classification (germline): Uncertain significance (1 of 4 stars; one submission).

Conditions:
Cohen syndrome (COH1). Also called: PEPPER SYNDROME; Cutis verticis gyrata, retinitis pigmentosa, and sensorineural deafness. Identifiers: Orphanet 193, MedGen C0265223, MONDO:0008999, OMIM 216550.

Submission:

Labcorp Genetics (formerly Invitae), Labcorp
Classification: Uncertain significance for Cohen syndrome. Last evaluated: 2019-09-01. Review status: criteria provided, single submitter. Criteria: Invitae Variant Classification Sherloc (09022015). Collection method: clinical testing. Allele origin: germline.
Comment: This sequence change replaces lysine with asparagine at codon 1773 of the VPS13B protein (p.Lys1773Asn). The lysine residue is moderately conserved and there is a moderate physicochemical difference between lysine and asparagine. This variant is not present in population databases (ExAC no frequency). This variant has not been reported in the literature in individuals with VPS13B-related conditions. Algorithms developed to predict the effect of missense changes on protein structure and function output the following: SIFT: "Deleterious"; PolyPhen-2: "Probably Damaging"; Align-GVGD: "Class C0". The asparagine amino acid residue is found in multiple mammalian species, suggesting that this missense change does not adversely affect protein function. These predictions have not been confirmed by published functional studies and their clinical significance is uncertain. In summary, the available evidence is currently insufficient to determine the role of this variant in disease. Therefore, it has been classified as a Variant of Uncertain Significance.

NM_152564.5(VPS13B):c.5244A>C (p.Lys1748Asn)

Gene: VPS13B (vacuolar protein sorting 13 homolog B; plus strand). Cytogenetic location: 8q22.2.
Variant type: single nucleotide variant.
Coding change: c.5244A>C on transcript NM_152564.5 (MANE Select); coding-DNA position 5244, A replaced by C.
Protein change: p.Lys1748Asn; replaces lysine 1748 with asparagine.
Molecular consequence: missense variant.
Genome position (GRCh38, 1-based): chr8:99,641,834, A>C. VCF-style: chr8-99641834-A-C. GRCh37 (hg19) VCF-style: chr8-100654062-A-C.
Other names: c.5319A>C, p.Lys1773Asn (NM_017890.5); short protein forms K1748N, K1773N.
Identifiers: ClinVar variation 954542 (VCV000954542.1), dbSNP rs1481251396, ClinGen allele CA371872133.
Genomic context (GRCh38, chr8:99,641,834, plus strand): 5'-AACTAGTTTGAAATATTTTATTACTTTTTTCTTACAGATCTCTAAACAAGAACAGAAAAA[A>C]GTGGATATATTTGATGGAGGCATGGCTGAAACCTCATCTCGCTACAGTGGTGCTCAGGAT-3'
Protein context (NP_689777.3, residues 1738-1758): AAEISKQEQK[Lys1748Asn]VDIFDGGMAE